The following is an entry in ClinVar:

NM_001267550.2(TTN):c.8875C>T (p.Gln2959Ter)

Gene: TTN (titin; minus strand). Cytogenetic location: 2q31.2.
Variant type: single nucleotide variant.
Coding change: c.8875C>T on transcript NM_001267550.2 (MANE Select); coding-DNA position 8875, C replaced by T.
Protein change: p.Gln2959Ter; replaces glutamine 2959 with a stop codon.
Molecular consequence: nonsense.
Genome position (GRCh38, 1-based): chr2:178,769,706, G>A on the plus strand (C>T on the coding strand, the complement: TTN is on the minus strand). VCF-style: chr2-178769706-G-A. GRCh37 (hg19) VCF-style: chr2-179634433-G-A.
Other names: c.8875C>T, p.Gln2959Ter (NM_001256850.1, NM_133378.4, NM_133379.5); c.8737C>T, p.Gln2913Ter (NM_003319.4, NM_133432.3, NM_133437.4); c.8875C>T (NM_001267550.1); short protein forms Q2959*, Q2913*.
Identifiers: ClinVar variation 489001 (VCV000489001.3), dbSNP rs774032732, ClinGen allele CA349676400.
Genomic context (GRCh38, chr2:178,769,706, plus strand): 5'-TGTGTATATATATATATATATTTTTTAACTTACGGGTGACTGTCAGGGTGGCACTGACTT[G>A]GTCATTGCCACAGACAAATGTGTATTCTGCCGAGTCCTCTGTGCTGGTGTTCATGATGAT-3'

ClinVar aggregate classification (germline): Likely pathogenic (1 of 4 stars; one submission).

Submission:

GeneDx
Classification: Likely pathogenic. Last evaluated: 2024-05-17. Review status: criteria provided, single submitter. Criteria: GeneDx Variant Classification Process June 2021. Collection method: clinical testing. Allele origin: germline. Affected: yes.
Comment: Not observed at significant frequency in large population cohorts (gnomAD); Has not been previously published as pathogenic or benign to our knowledge; Located in a region of TTN within the I-band in which the majority of loss of function variants are significantly associated with autosomal dominant titinopathies (PMID: 27625338, 27869827); This variant is associated with the following publications: (PMID: 27625338, 27869827)